The following is an entry in ClinVar:

NM_003673.4(TCAP):c.223G>T (p.Gly75Cys)

Gene: TCAP (titin-cap; plus strand). Cytogenetic location: 17q12.
Variant type: single nucleotide variant.
Coding change: c.223G>T on transcript NM_003673.4 (MANE Select); coding-DNA position 223, G replaced by T.
Protein change: p.Gly75Cys; replaces glycine 75 with cysteine.
Molecular consequence: missense variant.
Genome position (GRCh38, 1-based): chr17:39,665,828, G>T. VCF-style: chr17-39665828-G-T. GRCh37 (hg19) VCF-style: chr17-37822081-G-T.
Other names: short protein forms G75C.
Identifiers: ClinVar variation 1788263 (VCV001788263.2), dbSNP rs753744791, ClinGen allele CA399304355.

ClinVar aggregate classification (germline): Uncertain significance (1 of 4 stars; one submission).

Conditions:
Cardiovascular phenotype. Identifiers: MedGen CN230736.

gnomAD v4.1: 2 of 1,607,382 alleles (0.00012%); highest among the groups gnomAD compares: Non-Finnish European, 0.000085%; no homozygotes.

Submission:

Ambry Genetics
Classification: Uncertain significance for Cardiovascular phenotype. Last evaluated: 2022-04-25. Review status: criteria provided, single submitter. Criteria: Ambry Variant Classification Scheme 2023. Collection method: clinical testing. Allele origin: germline.
Comment: The p.G75C variant (also known as c.223G>T), located in coding exon 2 of the TCAP gene, results from a G to T substitution at nucleotide position 223. The glycine at codon 75 is replaced by cysteine, an amino acid with highly dissimilar properties. This amino acid position is conserved. In addition, the in silico prediction for this alteration is inconclusive. Since supporting evidence is limited at this time, the clinical significance of this alteration remains unclear.